The following is an entry in ClinVar:

NM_000141.5(FGFR2):c.2032A>G (p.Arg678Gly)

Gene: FGFR2 (fibroblast growth factor receptor 2; minus strand). Cytogenetic location: 10q26.13.
Variant type: single nucleotide variant.
Coding change: c.2032A>G on transcript NM_000141.5 (MANE Select); coding-DNA position 2032, A replaced by G.
Protein change: p.Arg678Gly; replaces arginine 678 with glycine.
Molecular consequence: missense variant. On other transcripts: non-coding transcript variant (1).
Genome position (GRCh38, 1-based): chr10:121,487,379, T>C on the plus strand (A>G on the coding strand, the complement: FGFR2 is on the minus strand). VCF-style: chr10-121487379-T-C. GRCh37 (hg19) VCF-style: chr10-123246893-T-C.
Other names: c.2035A>G, p.Arg679Gly (NM_001144913.1, NM_022970.4); c.1696A>G, p.Arg566Gly (NM_001144914.1); c.1765A>G, p.Arg589Gly (NM_001144915.2, NM_023029.3); c.1687A>G, p.Arg563Gly (NM_001144916.2); c.1684A>G, p.Arg562Gly (NM_001144917.2); c.1681A>G, p.Arg561Gly (NM_001144918.2); c.1768A>G, p.Arg590Gly (NM_001144919.2); c.1348A>G, p.Arg450Gly (NM_001320654.2); and 1 more; short protein forms R562G, R676G, R679G, R450G, R566G, R589G, R590G, R561G.
Identifiers: ClinVar variation 834843 (VCV000834843.14), dbSNP rs1845559552, ClinGen allele CA378313172.

ClinVar aggregate classification (germline): Pathogenic/Likely pathogenic. Review status: criteria provided, multiple submitters, no conflicts (2 of 4 stars). 3 submissions from 3 submitters: Pathogenic (1); Likely pathogenic (2). Last evaluated 2022-12-27.

Conditions:
FGFR2-related disorder. Identifiers: MedGen CN380096.
FGFR2-related craniosynostosis. Identifiers: MedGen CN231480.

Submissions (3):

GeneDx
Classification: Pathogenic. Last evaluated: 2022-12-27. Review status: criteria provided, single submitter. Criteria: GeneDx Variant Classification Process June 2021. Collection method: clinical testing. Allele origin: germline. Affected: yes.
Comment: Published functional studies demonstrate a damaging, gain-of-function, effect (Chen et al., 2007); Not observed in large population cohorts (gnomAD); In silico analysis, which includes protein predictors and evolutionary conservation, supports a deleterious effect; This variant is associated with the following publications: (PMID: 15863034, 23754559, 11781872, 23913723, 17803937)

Blueprint Genetics
Classification: Likely pathogenic for FGFR2-related disorders. Last evaluated: 2020-04-22. Review status: criteria provided, single submitter. Criteria: ACMG Guidelines, 2015. Collection method: clinical testing. Allele origin: germline. Affected: yes. Observed: 1 variant allele.

Labcorp Genetics (formerly Invitae), Labcorp
Classification: Likely pathogenic for FGFR2-related craniosynostosis. Last evaluated: 2020-02-19. Review status: criteria provided, single submitter. Criteria: Invitae Variant Classification Sherloc (09022015). Collection method: clinical testing. Allele origin: germline.
Comment: Algorithms developed to predict the effect of missense changes on protein structure and function are either unavailable or do not agree on the potential impact of this missense change (SIFT: "Deleterious"; PolyPhen-2: "Benign"; Align-GVGD: "Class C0"). This sequence change replaces arginine with glycine at codon 678 of the FGFR2 protein (p.Arg678Gly). The arginine residue is highly conserved and there is a moderate physicochemical difference between arginine and glycine. This variant is not present in population databases (ExAC no frequency). This variant has been observed in individual(s) with craniosynostosis or Crouzon syndrome (PMID: 11781872, Invitae). In at least one individual the variant was observed to be de novo. In summary, the currently available evidence indicates that the variant is pathogenic, but additional data are needed to prove that conclusively. Therefore, this variant has been classified as Likely Pathogenic.

Literature cited by the submitters: PubMed 11781872 (cited by Labcorp Genetics (formerly Invitae), Labcorp).